The following is an entry in ClinVar:

NM_001164508.2(NEB):c.20191G>T (p.Asp6731Tyr)

Gene: NEB (nebulin; minus strand). Cytogenetic location: 2q23.3.
Variant type: single nucleotide variant.
Coding change: c.20191G>T on transcript NM_001164508.2 (MANE Select); coding-DNA position 20191, G replaced by T.
Protein change: p.Asp6731Tyr; replaces aspartic acid 6731 with tyrosine.
Molecular consequence: missense variant.
Genome position (GRCh38, 1-based): chr2:151,547,705, C>A on the plus strand (G>T on the coding strand, the complement: NEB is on the minus strand). VCF-style: chr2-151547705-C-A. GRCh37 (hg19) VCF-style: chr2-152404219-C-A.
Other names: c.20191G>T, p.Asp6731Tyr (NM_001164507.2, NM_001271208.2); c.15088G>T, p.Asp5030Tyr (NM_004543.5); short protein forms D5030Y, D6731Y.
Identifiers: ClinVar variation 2039055 (VCV002039055.1), dbSNP rs2552179407, ClinGen allele CA348784048.

ClinVar aggregate classification (germline): Uncertain significance (1 of 4 stars; one submission).

Conditions:
Nemaline myopathy 2 (NEM2). Also called: Nemaline myopathy 2, autosomal recessive. Identifiers: MedGen C1850569, MONDO:0009725, OMIM 256030.

gnomAD v4.1: 1 of 1,613,552 alleles (0.000062%); no homozygotes.

Submission:

Labcorp Genetics (formerly Invitae), Labcorp
Classification: Uncertain significance for Nemaline myopathy 2. Last evaluated: 2022-03-01. Review status: criteria provided, single submitter. Criteria: Invitae Variant Classification Sherloc (09022015). Collection method: clinical testing. Allele origin: germline.
Comment: This sequence change replaces aspartic acid, which is acidic and polar, with tyrosine, which is neutral and polar, at codon 6731 of the NEB protein (p.Asp6731Tyr). This variant is not present in population databases (gnomAD no frequency). This variant has not been reported in the literature in individuals affected with NEB-related conditions. Algorithms developed to predict the effect of missense changes on protein structure and function are either unavailable or do not agree on the potential impact of this missense change (SIFT: "Deleterious"; PolyPhen-2: "Not Available"; Align-GVGD: "Class C0"). In summary, the available evidence is currently insufficient to determine the role of this variant in disease. Therefore, it has been classified as a Variant of Uncertain Significance.